The following is an entry in ClinVar:

ClinVar aggregate classification (germline): Uncertain significance (1 of 4 stars; one submission).

Allele frequency attached by ClinVar (database versions not stated): gnomAD exomes below 0.00001.
gnomAD v4.1: 1 of 1,614,196 alleles (0.000062%); highest among the groups gnomAD compares: Admixed American, 0.0017%; no homozygotes.

Submission:

Labcorp Genetics (formerly Invitae), Labcorp
Classification: Uncertain significance. Last evaluated: 2022-05-03. Review status: criteria provided, single submitter. Criteria: Invitae Variant Classification Sherloc (09022015). Collection method: clinical testing. Allele origin: germline.
Comment: This variant has not been reported in the literature in individuals affected with AHR-related conditions. Algorithms developed to predict the effect of missense changes on protein structure and function (SIFT, PolyPhen-2, Align-GVGD) all suggest that this variant is likely to be tolerated. In summary, the available evidence is currently insufficient to determine the role of this variant in disease. Therefore, it has been classified as a Variant of Uncertain Significance. This sequence change replaces alanine, which is neutral and non-polar, with aspartic acid, which is acidic and polar, at codon 766 of the AHR protein (p.Ala766Asp). This variant is present in population databases (no rsID available, gnomAD 0.003%).

NM_001621.5(AHR):c.2297C>A (p.Ala766Asp)

Gene: AHR (aryl hydrocarbon receptor; plus strand). Cytogenetic location: 7p21.1.
Variant type: single nucleotide variant.
Coding change: c.2297C>A on transcript NM_001621.5 (MANE Select); coding-DNA position 2297, C replaced by A.
Protein change: p.Ala766Asp; replaces alanine 766 with aspartic acid.
Molecular consequence: missense variant.
Genome position (GRCh38, 1-based): chr7:17,340,122, C>A. VCF-style: chr7-17340122-C-A. GRCh37 (hg19) VCF-style: chr7-17379746-C-A.
Other names: short protein forms A766D.
Identifiers: ClinVar variation 2133202 (VCV002133202.4), dbSNP rs1366591580, ClinGen allele CA366896815.